The following is an entry in ClinVar:

NM_001369.3(DNAH5):c.13462C>A (p.Pro4488Thr)

Gene: DNAH5 (dynein axonemal heavy chain 5; minus strand). Cytogenetic location: 5p15.2.
Variant type: single nucleotide variant.
Coding change: c.13462C>A on transcript NM_001369.3 (MANE Select); coding-DNA position 13462, C replaced by A.
Protein change: p.Pro4488Thr; replaces proline 4488 with threonine.
Molecular consequence: missense variant.
Genome position (GRCh38, 1-based): chr5:13,701,313, G>T on the plus strand (C>A on the coding strand, the complement: DNAH5 is on the minus strand). VCF-style: chr5-13701313-G-T. GRCh37 (hg19) VCF-style: chr5-13701422-G-T.
Other names: short protein forms P4488T.
Identifiers: ClinVar variation 226595 (VCV000226595.28), dbSNP rs113425437, ClinGen allele CA3201357.

ClinVar aggregate classification (germline): Benign. Review status: criteria provided, multiple submitters, no conflicts (2 of 4 stars). 10 submissions from 10 submitters: Benign (8). 2 of the submissions do not count toward it. Last evaluated 2026-02-04.

Conditions:
Primary ciliary dyskinesia. Also called: Ciliary dyskinesia. Identifiers: Orphanet 244, MedGen C0008780, MONDO:0016575, HP:0012265.
Primary ciliary dyskinesia 3. Identifiers: Orphanet 244, MedGen C1837618, MONDO:0012085, OMIM 608644.

Allele frequency attached by ClinVar (database versions not stated): ExAC 0.01167; gnomAD 0.03635 and 0.03898; 1000 Genomes Project 0.04133; TOPMed 0.04195; ESP Exome Variant Server 0.04513; 1000 Genomes Project 30x 0.04606.
gnomAD v4.1: 11,032 of 1,613,832 alleles (0.68%); highest among the groups gnomAD compares: African/African-American, 13%; 634 homozygotes.

Submissions (10):

Labcorp Genetics (formerly Invitae), Labcorp
Classification: Benign for Primary ciliary dyskinesia. Last evaluated: 2026-02-04. Review status: criteria provided, single submitter. Criteria: Invitae Variant Classification Sherloc (09022015). Collection method: clinical testing. Allele origin: germline.

Mayo Clinic Laboratories, Mayo Clinic
Classification: Benign. Last evaluated: 2023-11-05. Review status: criteria provided, single submitter. Criteria: ACMG Guidelines, 2015. Collection method: clinical testing. Allele origin: germline. Observed: 7 variant alleles.

GeneDx
Classification: Benign. Last evaluated: 2018-12-31. Review status: criteria provided, single submitter. Criteria: GeneDx Variant Classification Process June 2021. Collection method: clinical testing. Allele origin: germline. Affected: yes.

Illumina Laboratory Services, Illumina
Classification: Benign for Primary ciliary dyskinesia 3. Last evaluated: 2018-01-13. Review status: criteria provided, single submitter. Criteria: ICSL Variant Classification Criteria 13 December 2019. Collection method: clinical testing. Allele origin: germline.
Comment: This variant was observed in the ICSL laboratory as part of a predisposition screen in an ostensibly healthy population. It had not been previously curated by ICSL or reported in the Human Gene Mutation Database (HGMD: prior to June 1st, 2018), and was therefore a candidate for classification through an automated scoring system. Utilizing variant allele frequency, disease prevalence and penetrance estimates, and inheritance mode, an automated score was calculated to assess if this variant is too frequent to cause the disease. Based on the score and internal cut-off values, a variant classified as benign is not then subjected to further curation. The score for this variant resulted in a classification of benign for this disease.

Ambry Genetics
Classification: Benign for Primary ciliary dyskinesia. Last evaluated: 2014-12-15. Review status: criteria provided, single submitter. Criteria: Ambry Variant Classification Scheme 2023. Collection method: clinical testing. Allele origin: germline.

Laboratory for Molecular Medicine, Mass General Brigham Personalized Medicine
Classification: Benign. Last evaluated: 2013-02-21. Review status: criteria provided, single submitter. Criteria: LMM Criteria. Collection method: clinical testing. Allele origin: germline. Observed: 4 variant alleles.
Comment: Pro4488Thr in exon 77 of DNAH5: This variant is not expected to have clinical si gnificance because it has been identified in 13.3% (586/4406) of African America n chromosomes from a broad population by the NHLBI Exome Sequencing Project (dbSNP rs113425437).

Breakthrough Genomics
Classification: Benign. Review status: criteria provided, single submitter. Criteria: ACMG Guidelines, 2015. Collection method: not provided. Allele origin: germline. Inheritance: Autosomal recessive inheritance. Affected: yes.

PreventionGenetics, part of Exact Sciences
Classification: Benign. Review status: criteria provided, single submitter. Criteria: ACMG Guidelines, 2015. Collection method: clinical testing. Allele origin: germline.

Natera, Inc.
Classification: Benign for Primary ciliary dyskinesia. Last evaluated: 2020-09-16. Review status: no assertion criteria provided. Collection method: clinical testing. Allele origin: germline. Not counted in ClinVar's aggregate classification.

Counsyl
Classification: Benign for Primary ciliary dyskinesia 3. Last evaluated: 2017-03-06. Review status: no assertion criteria provided. Collection method: clinical testing. Allele origin: unknown. Not counted in ClinVar's aggregate classification.